The following is an entry in ClinVar:

NM_007194.4(CHEK2):c.1091T>G (p.Ile364Arg)

Gene: CHEK2 (checkpoint kinase 2; minus strand). Cytogenetic location: 22q12.1.
Variant type: single nucleotide variant.
Coding change: c.1091T>G on transcript NM_007194.4 (MANE Select); coding-DNA position 1091, T replaced by G.
Protein change: p.Ile364Arg; replaces isoleucine 364 with arginine.
Molecular consequence: missense variant. On other transcripts: intron variant (3).
Genome position (GRCh38, 1-based): chr22:28,696,905, A>C on the plus strand (T>G on the coding strand, the complement: CHEK2 is on the minus strand). VCF-style: chr22-28696905-A-C. GRCh37 (hg19) VCF-style: chr22-29092893-A-C.
Other names: c.1220T>G, p.Ile407Arg (NM_001005735.3); c.428T>G, p.Ile143Arg (NM_001257387.3, NM_001437942.1); c.890T>G, p.Ile297Arg (NM_001349956.3); c.1184T>G, p.Ile395Arg (NM_001438293.1); c.1009-1032T>G (NM_145862.3); c.1102-1032T>G (NM_001438295.1); c.1138-1032T>G (NM_001438294.1); short protein forms I364R, I395R, I143R, I297R, I407R.
Identifiers: ClinVar variation 4727632 (VCV004727632.1).

ClinVar aggregate classification (germline): Uncertain significance (1 of 4 stars; one submission).

Conditions:
Familial cancer of breast. Also called: Hereditary breast cancer; hereditary breast carcinoma; BREAST CANCER, FAMILIAL. Identifiers: Orphanet 227535, MedGen C0346153, MONDO:0016419, OMIM 114480. Disease mechanism: loss of function.

Submission:

Labcorp Genetics (formerly Invitae), Labcorp
Classification: Uncertain significance for Familial cancer of breast. Last evaluated: 2025-09-22. Review status: criteria provided, single submitter. Criteria: Invitae Variant Classification Sherloc (09022015). Collection method: clinical testing. Allele origin: germline.
Comment: This sequence change replaces isoleucine, which is neutral and non-polar, with arginine, which is basic and polar, at codon 364 of the CHEK2 protein (p.Ile364Arg). This variant is not present in population databases (gnomAD no frequency). This variant has not been reported in the literature in individuals affected with CHEK2-related conditions. An algorithm developed to predict the effect of missense changes on protein structure and function (PolyPhen-2) suggests that this variant is likely to be disruptive. In summary, the available evidence is currently insufficient to determine the role of this variant in disease. Therefore, it has been classified as a Variant of Uncertain Significance.